The following is an entry in ClinVar:

NM_001267550.2(TTN):c.79148C>A (p.Pro26383Gln)

Genes: TTN (titin; minus strand), TTN-AS1 (TTN antisense RNA 1; plus strand). Cytogenetic location: 2q31.2.
Variant type: single nucleotide variant.
Coding change: c.79148C>A on transcript NM_001267550.2 (MANE Select); coding-DNA position 79148, C replaced by A.
Protein change: p.Pro26383Gln; replaces proline 26383 with glutamine.
Molecular consequence: missense variant.
Genome position (GRCh38, 1-based): chr2:178,566,984, G>T on the plus strand (C>A on the coding strand, the complement: TTN is on the minus strand). VCF-style: chr2-178566984-G-T. GRCh37 (hg19) VCF-style: chr2-179431711-G-T.
Other names: c.74225C>A, p.Pro24742Gln (NM_001256850.1); c.51953C>A, p.Pro17318Gln (NM_003319.4); c.71444C>A, p.Pro23815Gln (NM_133378.4); c.52328C>A, p.Pro17443Gln (NM_133432.3); c.52529C>A, p.Pro17510Gln (NM_133437.4); short protein forms P17318Q, P17443Q, P17510Q, P23815Q, P24742Q, P26383Q.
Identifiers: ClinVar variation 4881959 (VCV004881959.2).

ClinVar aggregate classification (germline): Uncertain significance (1 of 4 stars; one submission).

gnomAD v4.1: 1 of 1,613,420 alleles (0.000062%); highest among the groups gnomAD compares: African/African-American, 0.0013%; no homozygotes.

Submission:

Dasa
Classification: Uncertain significance. Last evaluated: 2026-01-15. Review status: criteria provided, single submitter. Criteria: DASA Assertion Criteria. Collection method: clinical testing. Allele origin: germline.
Comment: NM_001267550.2(TTN):c.79148C>A (p.Pro26383Gln) is a missense variant that results in the substitution of proline with glutamine. This variant is rare in population databases. The currently available literature and clinical evidence are not sufficient to establish a definitive association between this variant and the reported condition. Therefore, this variant is classified as a variant of uncertain significance.